The following is an entry in ClinVar:

NM_001961.4(EEF2):c.1011+4C>T

Gene: EEF2 (eukaryotic translation elongation factor 2; minus strand). Cytogenetic location: 19p13.3.
Variant type: single nucleotide variant.
Coding change: c.1011+4C>T on transcript NM_001961.4 (MANE Select); 4 bases into the intron after coding-DNA position 1011, C replaced by T.
Molecular consequence: intron variant.
Genome position (GRCh38, 1-based): chr19:3,981,335, G>A on the plus strand (C>T on the coding strand, the complement: EEF2 is on the minus strand). VCF-style: chr19-3981335-G-A. GRCh37 (hg19) VCF-style: chr19-3981333-G-A.
Identifiers: ClinVar variation 2962236 (VCV002962236.3), dbSNP rs375407148, ClinGen allele CA9089060.
Genomic context (GRCh38, chr19:3,981,335, plus strand): 5'-GTCAGAGCATCCGGAAACAGCAGCCTGTGTTCCCTCCACCCCGAGGGCTGGGCCCAGGCC[G>A]CACCTTCAGCAGGGGTTTGCCTTCTTTGTCCTTGTCCTCGCTGTCCAGTTTGATGTCCAG-3'

ClinVar aggregate classification (germline): Uncertain significance (1 of 4 stars; one submission).

Allele frequency attached by ClinVar (database versions not stated): ESP Exome Variant Server 0.00008.
gnomAD v4.1: 41 of 1,613,264 alleles (0.0025%); highest among the groups gnomAD compares: Non-Finnish European, 0.0029%; no homozygotes.

Submission:

Labcorp Genetics (formerly Invitae), Labcorp
Classification: Uncertain significance. Last evaluated: 2023-11-13. Review status: criteria provided, single submitter. Criteria: Invitae Variant Classification Sherloc (09022015). Collection method: clinical testing. Allele origin: germline.
Comment: This sequence change falls in intron 7 of the EEF2 gene. It does not directly change the encoded amino acid sequence of the EEF2 protein. It affects a nucleotide within the consensus splice site. This variant is present in population databases (rs375407148, gnomAD 0.007%). This variant has not been reported in the literature in individuals affected with EEF2-related conditions. Variants that disrupt the consensus splice site are a relatively common cause of aberrant splicing (PMID: 17576681, 9536098). Algorithms developed to predict the effect of sequence changes on RNA splicing suggest that this variant is not likely to affect RNA splicing. In summary, the available evidence is currently insufficient to determine the role of this variant in disease. Therefore, it has been classified as a Variant of Uncertain Significance.

Literature cited by the submitters: PubMed 17576681; PubMed 9536098.